The following is an entry in ClinVar:

NM_018975.4(TERF2IP):c.41C>A (p.Pro14His)

Gene: TERF2IP (TERF2 interacting protein; plus strand). Cytogenetic location: 16q23.1.
Variant type: single nucleotide variant.
Coding change: c.41C>A on transcript NM_018975.4 (MANE Select); coding-DNA position 41, C replaced by A.
Protein change: p.Pro14His; replaces proline 14 with histidine.
Molecular consequence: missense variant. On other transcripts: non-coding transcript variant (1).
Genome position (GRCh38, 1-based): chr16:75,647,923, C>A. VCF-style: chr16-75647923-C-A. GRCh37 (hg19) VCF-style: chr16-75681821-C-A.
Other names: short protein forms P14H.
Identifiers: ClinVar variation 1738637 (VCV001738637.2), dbSNP rs2507072203, ClinGen allele CA396817104.

ClinVar aggregate classification (germline): Uncertain significance (1 of 4 stars; one submission).

gnomAD v4.1: 1 of 1,611,642 alleles (0.000062%); highest among the groups gnomAD compares: Non-Finnish European, 0.000085%; no homozygotes.

Submission:

Ambry Genetics
Classification: Uncertain significance. Last evaluated: 2021-08-20. Review status: criteria provided, single submitter. Criteria: Ambry Variant Classification Scheme 2023. Collection method: clinical testing. Allele origin: germline.
Comment: The p.P14H variant (also known as c.41C>A), located in coding exon 1 of the TERF2IP gene, results from a C to A substitution at nucleotide position 41. The proline at codon 14 is replaced by histidine, an amino acid with similar properties. This amino acid position is conserved. In addition, this alteration is predicted to be tolerated by in silico analysis. Since supporting evidence is limited at this time, the clinical significance of this alteration remains unclear.